The following is an entry in ClinVar:

NM_006393.3(NEBL):c.2588C>G (p.Ser863Cys)

Gene: NEBL (nebulette; minus strand). Cytogenetic location: 10p12.31.
Variant type: single nucleotide variant.
Coding change: c.2588C>G on transcript NM_006393.3 (MANE Select); coding-DNA position 2588, C replaced by G.
Protein change: p.Ser863Cys; replaces serine 863 with cysteine.
Molecular consequence: missense variant. On other transcripts: intron variant (8).
Genome position (GRCh38, 1-based): chr10:20,809,829, G>C on the plus strand (C>G on the coding strand, the complement: NEBL is on the minus strand). VCF-style: chr10-20809829-G-C. GRCh37 (hg19) VCF-style: chr10-21098758-G-C.
Other names: c.599C>G, p.Ser200Cys (NM_001377322.1); c.421+2940C>G (NM_001377326.1, NM_001377327.1, NM_001377328.1); c.529+2940C>G (NM_213569.2, NM_001173484.2); c.472+2940C>G (NM_001377324.1); c.463+2940C>G (NM_001377325.1); c.481+2940C>G (NM_001377323.1); short protein forms S863C, S200C.
Identifiers: ClinVar variation 229046 (VCV000229046.16), dbSNP rs150152361, ClinGen allele CA5432407.
Genomic context (GRCh38, chr10:20,809,829, plus strand): 5'-ACCACATAAATGGGATGAACTAAAAAGTGAGTAATACCAGAGAGCATATGGAGACTTCTA[G>C]ACTGAATATTGTCTTCCAGGGGATCAAGGTCGAAGATGGAGCCAGGATCTGTGCGCCAAA-3'
Protein context (NP_006384.1, residues 853-873): DLDPLEDNIQ[Ser863Cys]RSLHMLSEKA

ClinVar aggregate classification (germline): Uncertain significance. Review status: criteria provided, multiple submitters, no conflicts (2 of 4 stars). 2 submissions from 2 submitters: Uncertain significance (2). Last evaluated 2026-02-03.

Conditions:
Primary dilated cardiomyopathy (DCM). Also called: Dilated Cardiomyopathy. Identifiers: Orphanet 217604, MedGen C0007193, MeSH D002311, MONDO:0005021, HP:0001644. Inheritance: Various modes of inheritance.

Allele frequency attached by ClinVar (database versions not stated): gnomAD 0.00001; ExAC 0.00002; gnomAD exomes 0.00002 and 0.00003; TOPMed 0.00002; ESP Exome Variant Server 0.00015.
gnomAD v4.1: 50 of 1,612,384 alleles (0.0031%); highest among the groups gnomAD compares: Non-Finnish European, 0.004%; no homozygotes.

Submissions (2):

Labcorp Genetics (formerly Invitae), Labcorp
Classification: Uncertain significance for Primary dilated cardiomyopathy. Last evaluated: 2026-02-03. Review status: criteria provided, single submitter. Criteria: Invitae Variant Classification Sherloc (09022015). Collection method: clinical testing. Allele origin: germline.
Comment: This sequence change replaces serine, which is neutral and polar, with cysteine, which is neutral and slightly polar, at codon 863 of the NEBL protein (p.Ser863Cys). This variant is present in population databases (rs150152361, gnomAD 0.007%). This variant has not been reported in the literature in individuals affected with NEBL-related conditions. ClinVar contains an entry for this variant (Variation ID: 229046). An algorithm developed to predict the effect of missense changes on protein structure and function (PolyPhen-2) suggests that this variant is likely to be disruptive. In summary, the available evidence is currently insufficient to determine the role of this variant in disease. Therefore, it has been classified as a Variant of Uncertain Significance.

Laboratory for Molecular Medicine, Mass General Brigham Personalized Medicine
Classification: Uncertain significance. Last evaluated: 2015-05-18. Review status: criteria provided, single submitter. Criteria: LMM Criteria. Collection method: clinical testing. Allele origin: germline. Observed: 1 variant allele.
Comment: The p.Ser863Cys variant in NEBL has not been previously reported in individuals with cardiomyopathy, but has been identified in 1/10326 African chromosomes and 2/66490 European chromosomes by the Exome Aggregation Consortium (ExAC; dbSNP rs150152361). Computational prediction tools and c onservation analysis suggest that this variant may impact the protein, though th is information is not predictive enough to determine pathogenicity. In summary, the clinical significance of the p.Ser863Cys variant is uncertain.